The following is an entry in ClinVar:

ClinVar aggregate classification (germline): Uncertain significance (1 of 4 stars; one submission).

Conditions:
Cardiovascular phenotype. Identifiers: MedGen CN230736.

gnomAD v4.1: 7 of 1,549,568 alleles (0.00045%); highest among the groups gnomAD compares: Middle Eastern, 0.033%; no homozygotes.

Submission:

Ambry Genetics
Classification: Uncertain significance for Cardiovascular phenotype. Last evaluated: 2026-05-28. Review status: criteria provided, single submitter. Criteria: Ambry Variant Classification Scheme 2023. Collection method: clinical testing. Allele origin: germline.
Comment: The p.P1469L variant (also known as c.4406C>T), located in coding exon 2 of the ZNF469 gene, results from a C to T substitution at nucleotide position 4406. The proline at codon 1469 is replaced by leucine, an amino acid with similar properties. This amino acid position is conserved. In addition, this alteration is predicted to be tolerated by in silico analysis. Based on the available evidence, the clinical significance of this variant remains unclear.

NM_001367624.2(ZNF469):c.4490C>T (p.Pro1497Leu)

Gene: ZNF469 (zinc finger protein 469; plus strand). Cytogenetic location: 16q24.2.
Variant type: single nucleotide variant.
Coding change: c.4490C>T on transcript NM_001367624.2 (MANE Select); coding-DNA position 4490, C replaced by T.
Protein change: p.Pro1497Leu; replaces proline 1497 with leucine.
Molecular consequence: missense variant.
Genome position (GRCh38, 1-based): chr16:88,431,960, C>T. VCF-style: chr16-88431960-C-T. GRCh37 (hg19) VCF-style: chr16-88498368-C-T.
Other names: NM_001127464.1:c.4406C>T; short protein forms P1497L.
Identifiers: ClinVar variation 4867024 (VCV004867024.1).